The following is an entry in ClinVar:

NM_000214.3(JAG1):c.2173G>T (p.Asp725Tyr)

Gene: JAG1 (jagged canonical Notch ligand 1; minus strand). Cytogenetic location: 20p12.2.
Variant type: single nucleotide variant.
Coding change: c.2173G>T on transcript NM_000214.3 (MANE Select); coding-DNA position 2173, G replaced by T.
Protein change: p.Asp725Tyr; replaces aspartic acid 725 with tyrosine.
Molecular consequence: missense variant.
Genome position (GRCh38, 1-based): chr20:10,645,197, C>A on the plus strand (G>T on the coding strand, the complement: JAG1 is on the minus strand). VCF-style: chr20-10645197-C-A. GRCh37 (hg19) VCF-style: chr20-10625845-C-A.
Other names: short protein forms D725Y.
Identifiers: ClinVar variation 1498615 (VCV001498615.6), dbSNP rs2122602965, ClinGen allele CA408235223.
Genomic context (GRCh38, chr20:10,645,197, plus strand): 5'-AGTTACCTATGTTACAGGTTGTTCCTTCCCAGCCGCCAGGACACATGCACTTAAAAGCAT[C>A]CCCCTCATCATAGCAGGTGCCACCGTTGTTGCACGTGGCCTCATCACACTGACTGTCACC-3'
Protein context (NP_000205.1, residues 715-735): NNGGTCYDEG[Asp725Tyr]AFKCMCPGGW

ClinVar aggregate classification (germline): Uncertain significance (1 of 4 stars; one submission).

Conditions:
Alagille syndrome due to a JAG1 point mutation. Also called: HEPATIC DUCTULAR HYPOPLASIA, SYNDROMATIC; Alagille Syndrome 1; JAG1-Related Alagille Syndrome. Identifiers: Orphanet 261619, Orphanet 52, MedGen C1956125, MONDO:0016862, OMIM 118450.

Submission:

Labcorp Genetics (formerly Invitae), Labcorp
Classification: Uncertain significance for Alagille syndrome due to a JAG1 point mutation. Last evaluated: 2021-07-28. Review status: criteria provided, single submitter. Criteria: Invitae Variant Classification Sherloc (09022015). Collection method: clinical testing. Allele origin: germline.
Comment: Algorithms developed to predict the effect of sequence changes on RNA splicing suggest that this variant may create or strengthen a splice site. In summary, the available evidence is currently insufficient to determine the role of this variant in disease. Therefore, it has been classified as a Variant of Uncertain Significance. Advanced modeling of protein sequence and biophysical properties (such as structural, functional, and spatial information, amino acid conservation, physicochemical variation, residue mobility, and thermodynamic stability) performed at Invitae indicates that this missense variant is not expected to disrupt JAG1 protein function. This variant has not been reported in the literature in individuals affected with JAG1-related conditions. This variant is not present in population databases (ExAC no frequency). This sequence change replaces aspartic acid with tyrosine at codon 725 of the JAG1 protein (p.Asp725Tyr). The aspartic acid residue is highly conserved and there is a large physicochemical difference between aspartic acid and tyrosine.